The following is an entry in ClinVar:

NM_006073.4(TRDN):c.507dup (p.Gly170fs)

Gene: TRDN (triadin; minus strand). Cytogenetic location: 6q22.31.
Variant type: Duplication.
Coding change: c.507dup on transcript NM_006073.4 (MANE Select); coding-DNA position 507, one base duplicated (A; older notation c.507dupA).
Protein change: p.Gly170fs; shifts the reading frame from glycine 170.
Molecular consequence: frameshift variant.
Genome position (GRCh38, 1-based): chr6:123,516,184, T duplicated on the plus strand (A on the coding strand, the reverse complement: TRDN is on the minus strand); the first of 5 consecutive T bases (chr6:123,516,184-123,516,188); duplicating any one gives the same sequence. VCF-style (leftmost placement, unchanged base first): chr6-123516183-C-CT. GRCh37 (hg19) VCF-style: chr6-123837328-C-CT.
Other names: c.507dup, p.Gly170fs (NM_001256020.2, NM_001256021.2, NM_001407315.1 and 1 more transcripts); short protein forms G170fs.
Identifiers: ClinVar variation 2980846 (VCV002980846.3), dbSNP rs2534347019, ClinGen allele CA2578731625.

ClinVar aggregate classification (germline): Pathogenic (1 of 4 stars; one submission).

Conditions:
Catecholaminergic polymorphic ventricular tachycardia 1. Also called: VENTRICULAR TACHYCARDIA, CATECHOLAMINERGIC POLYMORPHIC, 1, WITH OR WITHOUT ATRIAL DYSFUNCTION AND/OR DILATED CARDIOMYOPATHY; RYR2-Related Catecholaminergic Polymorphic Ventricular Tachycardia; VENTRICULAR TACHYCARDIA, STRESS-INDUCED POLYMORPHIC 1. Identifiers: Orphanet 3286, MedGen C1631597, MONDO:0011484, OMIM 604772.

Submission:

Labcorp Genetics (formerly Invitae), Labcorp
Classification: Pathogenic for Catecholaminergic polymorphic ventricular tachycardia 1. Last evaluated: 2023-10-09. Review status: criteria provided, single submitter. Criteria: Invitae Variant Classification Sherloc (09022015). Collection method: clinical testing. Allele origin: germline.
Comment: This sequence change creates a premature translational stop signal (p.Gly170Argfs*12) in the TRDN gene. While this is not anticipated to result in nonsense mediated decay, it is expected to disrupt the last 560 amino acid(s) of the TRDN protein. This variant is not present in population databases (gnomAD no frequency). This variant has not been reported in the literature in individuals affected with TRDN-related conditions. This variant disrupts a region of the TRDN protein in which other variant(s) (p.Ala208Leufs*15) have been determined to be pathogenic (PMID: 22422768, 26200674, 30649896). This suggests that this is a clinically significant region of the protein, and that variants that disrupt it are likely to be disease-causing. For these reasons, this variant has been classified as Pathogenic.

Literature cited by the submitters: PubMed 22422768; PubMed 26200674; PubMed 30649896.